The following is an entry in ClinVar:

ClinVar aggregate classification (germline): Benign (0 of 4 stars; one submission).

Conditions:
DNMBP-related disorder. Also called: DNMBP-related condition.

Allele frequency attached by ClinVar (database versions not stated): TOPMed 0.00036; gnomAD 0.00060; gnomAD exomes 0.00190; 1000 Genomes Project 0.00280; 1000 Genomes Project 30x 0.00281; ExAC 0.00960.
gnomAD v4.1: 1,121 of 702,916 alleles (0.16%); highest among the groups gnomAD compares: South Asian, 1.3%; 24 homozygotes.

Submission:

PreventionGenetics, part of Exact Sciences
Classification: Benign for DNMBP-related condition. Last evaluated: 2019-05-28. Review status: no assertion criteria provided. Collection method: clinical testing. Allele origin: germline.
Comment: This variant is classified as benign based on ACMG/AMP sequence variant interpretation guidelines (Richards et al. 2015 PMID: 25741868, with internal and published modifications).

NM_015221.4(DNMBP):c.2261-20815A>G

Genes: DNMBP (dynamin binding protein; minus strand), DNMBP-AS1 (DNMBP antisense RNA 1; plus strand). Cytogenetic location: 10q24.2.
Variant type: single nucleotide variant.
Coding change: c.2261-20815A>G on transcript NM_015221.4 (MANE Select); 20815 bases into the intron before coding-DNA position 2261, A replaced by G.
Molecular consequence: intron variant. On other transcripts: missense variant (1).
Genome position (GRCh38, 1-based): chr10:99,929,961, T>C on the plus strand (A>G on the coding strand, the complement: DNMBP is on the minus strand). VCF-style: chr10-99929961-T-C. GRCh37 (hg19) VCF-style: chr10-101689718-T-C.
Other names: c.803A>G, p.Tyr268Cys (NM_001318326.2); short protein forms Y268C.
Identifiers: ClinVar variation 3039087 (VCV003039087.2), dbSNP rs552702605, ClinGen allele CA5644998.